The following is an entry in ClinVar:

NM_001385641.1(SAMD11):c.1463G>A (p.Cys488Tyr)

Gene: SAMD11 (sterile alpha motif domain containing 11; plus strand). Cytogenetic location: 1p36.33.
Variant type: single nucleotide variant.
Coding change: c.1463G>A on transcript NM_001385641.1 (MANE Select); coding-DNA position 1463, G replaced by A.
Protein change: p.Cys488Tyr; replaces cysteine 488 with tyrosine.
Molecular consequence: missense variant.
Genome position (GRCh38, 1-based): chr1:942,240, G>A. VCF-style: chr1-942240-G-A. GRCh37 (hg19) VCF-style: chr1-877620-G-A.
Other names: c.1466G>A, p.Cys489Tyr (NM_001385640.1); c.974G>A, p.Cys325Tyr (NM_152486.4); short protein forms C325Y, C488Y, C489Y.
Identifiers: ClinVar variation 942261 (VCV000942261.5), dbSNP rs1014559233, ClinGen allele CA16724107.

ClinVar aggregate classification (germline): Uncertain significance (1 of 4 stars; one submission).

Allele frequency attached by ClinVar (database versions not stated): TOPMed 0.00001.
gnomAD v4.1: 42 of 1,330,764 alleles (0.0032%); highest among the groups gnomAD compares: Non-Finnish European, 0.0039%; no homozygotes.

Submission:

Labcorp Genetics (formerly Invitae), Labcorp
Classification: Uncertain significance. Last evaluated: 2025-09-08. Review status: criteria provided, single submitter. Criteria: Invitae Variant Classification Sherloc (09022015). Collection method: clinical testing. Allele origin: germline.
Comment: This sequence change replaces cysteine, which is neutral and slightly polar, with tyrosine, which is neutral and polar, at codon 325 of the SAMD11 protein (p.Cys325Tyr). The frequency data for this variant in the population databases is considered unreliable, as metrics indicate poor data quality at this position in the gnomAD database. This variant has not been reported in the literature in individuals affected with SAMD11-related conditions. ClinVar contains an entry for this variant (Variation ID: 942261). An algorithm developed to predict the effect of missense changes on protein structure and function (PolyPhen-2) suggests that this variant is likely to be disruptive. In summary, the available evidence is currently insufficient to determine the role of this variant in disease. Therefore, it has been classified as a Variant of Uncertain Significance.